The following is an entry in ClinVar:

ClinVar aggregate classification (germline): Likely benign (0 of 4 stars; one submission).

Conditions:
EP300-related disorder. Also called: EP300-related disorders; EP300-related condition.

gnomAD v4.1: 1 of 1,613,752 alleles (0.000062%); highest among the groups gnomAD compares: Non-Finnish European, 0.000085%; no homozygotes.

Submission:

PreventionGenetics, part of Exact Sciences
Classification: Likely benign for EP300-related condition. Last evaluated: 2023-02-20. Review status: no assertion criteria provided. Collection method: clinical testing. Allele origin: germline.
Comment: This variant is classified as likely benign based on ACMG/AMP sequence variant interpretation guidelines (Richards et al. 2015 PMID: 25741868, with internal and published modifications).

NM_001429.4(EP300):c.6006G>A (p.Gln2002=)

Gene: EP300 (E1A binding protein p300; plus strand). Cytogenetic location: 22q13.2.
Variant type: single nucleotide variant.
Coding change: c.6006G>A on transcript NM_001429.4 (MANE Select); coding-DNA position 6006, G replaced by A.
Protein change: p.Gln2002=; no amino-acid change (glutamine 2002 retained).
Molecular consequence: synonymous variant.
Genome position (GRCh38, 1-based): chr22:41,177,717, G>A. VCF-style: chr22-41177717-G-A. GRCh37 (hg19) VCF-style: chr22-41573721-G-A.
Other names: c.5928G>A, p.Gln1976= (NM_001362843.2).
Identifiers: ClinVar variation 3356655 (VCV003356655.1).
Genomic context (GRCh38, chr22:41,177,717, plus strand): 5'-AGGGATGGGACCGACAGGGATGCAGCAACAGCCACCCTGGAGCCAAGGAGGATTGCCTCA[G>A]CCCCAGCAACTACAGTCTGGGATGCCAAGGCCAGCCATGATGTCAGTGGCCCAGCATGGT-3'
Protein context (NP_001420.2, residues 1992-2012): QPPWSQGGLP[Gln2002=]PQQLQSGMPR